The following is an entry in ClinVar:

NM_144658.4(DOCK11):c.1897T>G (p.Cys633Gly)

Gene: DOCK11 (dedicator of cytokinesis 11; plus strand). Cytogenetic location: Xq24.
Variant type: single nucleotide variant.
Coding change: c.1897T>G on transcript NM_144658.4 (MANE Select); coding-DNA position 1897, T replaced by G.
Protein change: p.Cys633Gly; replaces cysteine 633 with glycine.
Molecular consequence: missense variant.
Genome position (GRCh38, 1-based): chrX:118,588,238, T>G. VCF-style: chrX-118588238-T-G. GRCh37 (hg19) VCF-style: chrX-117722201-T-G.
Other names: short protein forms C633G.
Identifiers: ClinVar variation 4681806 (VCV004681806.5).

ClinVar aggregate classification (germline): Uncertain significance (1 of 4 stars; one submission).

Submission:

CeGaT Center for Human Genetics Tuebingen
Classification: Uncertain significance. Last evaluated: 2025-11-01. Review status: criteria provided, single submitter. Criteria: CeGaT Center For Human Genetics Tuebingen Variant Classification Criteria Version 2. Collection method: clinical testing. Allele origin: germline. Affected: yes. Observed: 1 variant allele.
Comment: DOCK11: PM2, BP4